The following is an entry in ClinVar:

NM_001276389.2(KIZ):c.16C>T (p.Pro6Ser)

Genes: KIZ (kizuna centrosomal protein; plus strand), LOC130065507 (ATAC-STARR-seq lymphoblastoid silent region 12713; plus strand). Cytogenetic location: 20p11.23.
Variant type: single nucleotide variant.
Coding change: c.16C>T on transcript NM_001276389.2; coding-DNA position 16, C replaced by T.
Protein change: p.Pro6Ser; replaces proline 6 with serine.
Molecular consequence: missense variant.
Genome position (GRCh38, 1-based): chr20:21,126,052, C>T. VCF-style: chr20-21126052-C-T. GRCh37 (hg19) VCF-style: chr20-21106693-C-T.
Other names: short protein forms P6S.
Identifiers: ClinVar variation 4944529 (VCV004944529.2).

ClinVar aggregate classification (germline): Uncertain significance. Review status: criteria provided, multiple submitters, no conflicts (2 of 4 stars). 2 submissions from 2 submitters: Uncertain significance (2). Last evaluated 2026-04-23.

Conditions:
KIZ-related disorder. Also called: KIZ-related condition.

gnomAD v4.1: 106 of 1,411,284 alleles (0.0075%); highest among the groups gnomAD compares: Middle Eastern, 0.061%; no homozygotes.

Submissions (2):

PreventionGenetics, part of Exact Sciences
Classification: Uncertain significance for KIZ-related condition. Last evaluated: 2026-04-23. Review status: criteria provided, single submitter. Criteria: ACMG Guidelines, 2015. Collection method: clinical testing. Allele origin: germline.
Comment: The KIZ c.16C>T variant is predicted to result in the amino acid substitution p.Pro6Ser. To our knowledge, this variant has not been reported in the literature or in a large population database (gnomAD), indicating this variant is rare. This variant corresponds to a pre-coding position in an alternate transcript for this gene (NM_018474.5:c.-64C>T). At this time, the clinical significance of this variant is uncertain due to the absence of conclusive functional and genetic evidence.

Blueprint Genetics
Classification: Uncertain significance. Last evaluated: 2024-10-01. Review status: criteria provided, single submitter. Criteria: ACMG Guidelines, 2015. Collection method: clinical testing. Allele origin: germline.